The following is an entry in ClinVar:

ClinVar aggregate classification (germline): Pathogenic (1 of 4 stars; one submission).

Conditions:
Jeune thoracic dystrophy. Also called: Jeune syndrome; Infantile thoracic dystrophy; Thoracic pelvic phalangeal dystrophy; Jeune's syndrome; Chondroectodermal dysplasia-like syndrome; Short-rib thoracic dysplasia. Identifiers: Orphanet 474, MedGen C0265275, MONDO:0018770.

Submission:

Labcorp Genetics (formerly Invitae), Labcorp
Classification: Pathogenic for Jeune thoracic dystrophy. Last evaluated: 2023-11-12. Review status: criteria provided, single submitter. Criteria: Invitae Variant Classification Sherloc (09022015). Collection method: clinical testing. Allele origin: germline.
Comment: This sequence change creates a premature translational stop signal (p.Met623Tyrfs*5) in the IFT80 gene. It is expected to result in an absent or disrupted protein product. Loss-of-function variants in IFT80 are known to be pathogenic (PMID: 21227999, 23339108, 29068549). This variant is not present in population databases (gnomAD no frequency). This variant has not been reported in the literature in individuals affected with IFT80-related conditions. For these reasons, this variant has been classified as Pathogenic.

Literature cited by the submitters: PubMed 21227999; PubMed 23339108; PubMed 29068549.

NM_020800.3(IFT80):c.1866dup (p.Met623fs)

Genes: IFT80 (intraflagellar transport 80; minus strand), TRIM59-IFT80 (TRIM59-IFT80 readthrough (NMD candidate); minus strand). Cytogenetic location: 3q25.33.
Variant type: Duplication.
Coding change: c.1866dup on transcript NM_020800.3 (MANE Select); coding-DNA position 1866, one base duplicated (T; older notation c.1866dupT).
Protein change: p.Met623fs; shifts the reading frame from methionine 623.
Molecular consequence: frameshift variant. On other transcripts: non-coding transcript variant (3).
Genome position (GRCh38, 1-based): chr3:160,277,641, A duplicated on the plus strand (T on the coding strand, the reverse complement: IFT80 is on the minus strand). VCF-style (leftmost placement, unchanged base first): chr3-160277640-T-TA. GRCh37 (hg19) VCF-style: chr3-159995428-T-TA.
Other names: c.1455dup, p.Met486fs (NM_001190241.2, NM_001190242.2); short protein forms M623fs, M486fs.
Identifiers: ClinVar variation 2888490 (VCV002888490.3), dbSNP rs2473100842, ClinGen allele CA2739278001.
Genomic context (GRCh38, chr3:160,277,640, plus strand): 5'-CTTCACCAATTGCTGCATAGGCTATTTCTGCAGTAGTCATATCTCGATTAGCAACTGCCA[T>TA]AGCAGCTAGACAAGCCCACATGGTTTGCTCCTAAAGTAAAGTATGAGAACAATTATCTTA-3'